The following is an entry in ClinVar:

ClinVar aggregate classification (germline): Pathogenic (1 of 4 stars; one submission).

Conditions:
Congenital bilateral aplasia of vas deferens from CFTR mutation (CBAVD). Identifiers: Orphanet 48, MedGen C0403814, MONDO:0010178, OMIM 277180. Disease mechanism: loss of function.

Submission:

Women's Health and Genetics/Laboratory Corporation of America, LabCorp
Classification: Pathogenic for Congenital bilateral aplasia of vas deferens from CFTR mutation. Last evaluated: 2025-03-21. Review status: criteria provided, single submitter. Criteria: LabCorp Variant Classification Summary - May 2015. Collection method: clinical testing. Allele origin: germline.
Comment: Variant summary: CFTR c.1210-34TG[11]T[5] is located close to a canonical splice-site and thus may affect mRNA splicing, resulting in a significantly altered protein due to either exon skipping, shortening, or inclusion of intronic material. 5/5 computational tools predict no significant impact on normal splicing. However, at least one functional study shows a moderate impact to proper CFTR mRNA expression in vitro (Hefferon_2004). The variant allele was found at a frequency of 0.026 in 6238 control chromosomes reported in the literature. The frequency in large control databases, such as gnomAD, could not be accurately assessed due to the polymorphic nature of this locus. c.5T_TG11 has been reported in the literature in numerous individuals affected with Congenital Bilateral Absence of the Vas Deferens, as well as some individuals who are asymptomatic. Based on the evidence outlined above, the variant was classified as pathogenic for CBAVD.

Literature cited by the submitters: PubMed 19092437; PubMed 11354633; PubMed 7684646; PubMed 9435322; PubMed 14685937; PubMed 17329263; PubMed 15905293; PubMed 17489851; PubMed 11729110; PubMed 20691141; PubMed 18456578; PubMed 21520337; PubMed 14993601; PubMed 16840743; PubMed 18685558; PubMed 23810505; PubMed 22842702; PubMed 16778595; PubMed 25251442; PubMed 10668931; PubMed 18567645.

NM_000492.3:c.1210-34TG[11]T[5]

Gene: CFTR (CF transmembrane conductance regulator; plus strand).
Variant type: Variation.
Identifiers: ClinVar variation 3900982 (VCV003900982.1).